The following is an entry in ClinVar:

ClinVar aggregate classification (germline): Conflicting classifications of pathogenicity. Review status: criteria provided, conflicting classifications (1 of 4 stars). 2 submissions from 2 submitters: Likely pathogenic (1); Uncertain significance (1). Last evaluated 2022-10-17.

Conditions:
Intellectual developmental disorder, autosomal recessive 34, with variant lissencephaly. Also called: Intellectual disability, autosomal recessive 34. Identifiers: Orphanet 88616, MedGen C3281044, MONDO:0013785, OMIM 614499.

Allele frequency attached by ClinVar (database versions not stated): gnomAD exomes below 0.00001.
gnomAD v4.1: 1 of 1,613,858 alleles (0.000062%); highest among the groups gnomAD compares: Non-Finnish European, 0.000085%; no homozygotes.

Submissions (2):

Labcorp Genetics (formerly Invitae), Labcorp
Classification: Uncertain significance. Last evaluated: 2022-10-17. Review status: criteria provided, single submitter. Criteria: Invitae Variant Classification Sherloc (09022015). Collection method: clinical testing. Allele origin: germline.
Comment: This variant is not present in population databases (gnomAD no frequency). This sequence change replaces alanine, which is neutral and non-polar, with valine, which is neutral and non-polar, at codon 163 of the CRADD protein (p.Ala163Val). This variant has not been reported in the literature in individuals affected with CRADD-related conditions. Algorithms developed to predict the effect of missense changes on protein structure and function are either unavailable or do not agree on the potential impact of this missense change (SIFT: "Not Available"; PolyPhen-2: "Probably Damaging"; Align-GVGD: "Not Available"). In summary, the available evidence is currently insufficient to determine the role of this variant in disease. Therefore, it has been classified as a Variant of Uncertain Significance.

Clinical Genetics Service, Universitary Hospital 12 de Octubre
Classification: Likely pathogenic for Intellectual developmental disorder, autosomal recessive 34, with variant lissencephaly. Review status: criteria provided, single submitter. Criteria: ACMG Guidelines, 2015. Collection method: clinical testing. Allele origin: germline. Affected: yes.

NM_003805.5(CRADD):c.488C>T (p.Ala163Val)

Gene: CRADD (CARD and death domain containing adaptor protein; plus strand). Cytogenetic location: 12q22.
Variant type: single nucleotide variant.
Coding change: c.488C>T on transcript NM_003805.5 (MANE Select); coding-DNA position 488, C replaced by T.
Protein change: p.Ala163Val; replaces alanine 163 with valine.
Molecular consequence: missense variant. On other transcripts: intron variant (1).
Genome position (GRCh38, 1-based): chr12:93,850,159, C>T. VCF-style: chr12-93850159-C-T. GRCh37 (hg19) VCF-style: chr12-94243935-C-T.
Other names: c.488C>T, p.Ala163Val (NM_001320099.2); c.299-43891C>T (NM_001320100.2); short protein forms A163V.
Identifiers: ClinVar variation 1913908 (VCV001913908.6), dbSNP rs1958197804, ClinGen allele CA386142697.